The following is an entry in ClinVar:

NM_198525.3(KIF7):c.1663C>T (p.Pro555Ser)

Gene: KIF7 (kinesin family member 7; minus strand). Cytogenetic location: 15q26.1.
Variant type: single nucleotide variant.
Coding change: c.1663C>T on transcript NM_198525.3 (MANE Select); coding-DNA position 1663, C replaced by T.
Protein change: p.Pro555Ser; replaces proline 555 with serine.
Molecular consequence: missense variant.
Genome position (GRCh38, 1-based): chr15:89,646,955, G>A on the plus strand (C>T on the coding strand, the complement: KIF7 is on the minus strand). VCF-style: chr15-89646955-G-A. GRCh37 (hg19) VCF-style: chr15-90190186-G-A.
Other names: short protein forms P555S.
Identifiers: ClinVar variation 1501845 (VCV001501845.5), dbSNP rs151155363, ClinGen allele CA7728494.

ClinVar aggregate classification (germline): Uncertain significance (1 of 4 stars; one submission).

Conditions:
Acrocallosal syndrome (ACLS). Also called: HALLUX DUPLICATION, POSTAXIAL POLYDACTYLY, AND ABSENCE OF CORPUS CALLOSUM; Schinzel syndrome 1; Absence of corpus callosum with unusual facial appearance, mental deficiency, duplication of the halluces and polydactyly. Identifiers: Orphanet 36, MedGen C0796147, MONDO:0008708, OMIM 200990.

Allele frequency attached by ClinVar (database versions not stated): gnomAD 0.00004 and 0.00008; TOPMed 0.00004; gnomAD exomes 0.00008; ExAC 0.00014; 1000 Genomes Project 30x 0.00047; 1000 Genomes Project 0.00060.
gnomAD v4.1: 281 of 1,613,734 alleles (0.017%); highest among the groups gnomAD compares: East Asian, 0.6%; 3 homozygotes.

Submission:

Labcorp Genetics (formerly Invitae), Labcorp
Classification: Uncertain significance for Acrocallosal syndrome. Last evaluated: 2022-10-24. Review status: criteria provided, single submitter. Criteria: Invitae Variant Classification Sherloc (09022015). Collection method: clinical testing. Allele origin: germline.
Comment: This sequence change replaces proline, which is neutral and non-polar, with serine, which is neutral and polar, at codon 555 of the KIF7 protein (p.Pro555Ser). This variant is present in population databases (rs151155363, gnomAD 0.1%). This variant has not been reported in the literature in individuals affected with KIF7-related conditions. Advanced modeling of protein sequence and biophysical properties (such as structural, functional, and spatial information, amino acid conservation, physicochemical variation, residue mobility, and thermodynamic stability) performed at Invitae indicates that this missense variant is not expected to disrupt KIF7 protein function. In summary, the available evidence is currently insufficient to determine the role of this variant in disease. Therefore, it has been classified as a Variant of Uncertain Significance.